The following is an entry in ClinVar:

NM_001042492.3(NF1):c.6980A>T (p.Glu2327Val)

Gene: NF1 (neurofibromin 1; plus strand). Cytogenetic location: 17q11.2.
Variant type: single nucleotide variant.
Coding change: c.6980A>T on transcript NM_001042492.3 (MANE Select); coding-DNA position 6980, A replaced by T.
Protein change: p.Glu2327Val; replaces glutamic acid 2327 with valine.
Molecular consequence: missense variant.
Genome position (GRCh38, 1-based): chr17:31,340,563, A>T. VCF-style: chr17-31340563-A-T. GRCh37 (hg19) VCF-style: chr17-29667581-A-T.
Other names: c.6917A>T, p.Glu2306Val (NM_000267.4); short protein forms E2327V, E2306V.
Identifiers: ClinVar variation 484036 (VCV000484036.6), dbSNP rs1555535175, ClinGen allele CA399014964.

ClinVar aggregate classification (germline): Uncertain significance (1 of 4 stars; one submission).

Conditions:
Cardiovascular phenotype. Identifiers: MedGen CN230736.
Hereditary cancer-predisposing syndrome. Also called: Neoplastic Syndromes, Hereditary; Tumor predisposition; Hereditary Cancer Syndrome; Hereditary neoplastic syndrome. Identifiers: Orphanet 140162, MedGen C0027672, MeSH D009386, MONDO:0015356.

Submission:

Ambry Genetics
Classification: Uncertain significance for Cardiovascular phenotype; Hereditary cancer-predisposing syndrome. Last evaluated: 2025-10-10. Review status: criteria provided, single submitter. Criteria: Ambry Variant Classification Scheme 2023. Collection method: clinical testing. Allele origin: germline.
Comment: The p.E2306V variant (also known as c.6917A>T), located in coding exon 46 of the NF1 gene, results from an A to T substitution at nucleotide position 6917. The glutamic acid at codon 2306 is replaced by valine, an amino acid with dissimilar properties. This amino acid position is highly conserved in available vertebrate species. In addition, this alteration is predicted to be deleterious by in silico analysis. Based on the available evidence, the clinical significance of this variant remains unclear.